The following is an entry in ClinVar:

ClinVar aggregate classification (germline): Conflicting classifications of pathogenicity. Review status: criteria provided, conflicting classifications (1 of 4 stars). 2 submissions from 2 submitters: Pathogenic (1); Uncertain significance (1). Last evaluated 2023-06-26.

Conditions:
Spinal muscular atrophy (SMA). Identifiers: MedGen C0026847, MeSH D009134, MONDO:0001516, HP:0007269.

Submissions (2):

Revvity Omics, Revvity
Classification: Uncertain significance. Last evaluated: 2023-06-26. Review status: criteria provided, single submitter. Criteria: ACMG Guidelines, 2015. Collection method: clinical testing. Allele origin: germline.

Labcorp Genetics (formerly Invitae), Labcorp
Classification: Pathogenic for Spinal muscular atrophy. Last evaluated: 2022-12-16. Review status: criteria provided, single submitter. Criteria: Invitae Variant Classification Sherloc (09022015). Collection method: clinical testing. Allele origin: germline.
Comment: The frequency data for this variant in the population databases (gnomAD) is considered unreliable due to the presence of homologous sequence, such as pseudogenes or paralogs, in the genome. This frameshift has been observed in individual(s) with clinical features of spinal muscular atrophy (Invitae). In at least one individual the data is consistent with being in trans (on the opposite chromosome) from a pathogenic variant. This sequence change results in a frameshift in the SMN1 gene (p.Arg288Lysfs*18). RNA analysis indicates that this frameshift induces altered splicing and likely disrupts the C-terminus of the protein. Other variant(s) that result in skipping of exon 8 (also referred to as exon 7) have been determined to be pathogenic (PMID: 22994313, 26419278). This suggests that this variant may also be clinically significant and likely to be disease-causing. Studies have shown that this frameshift results in skipping of exon 8 and introduces a new termination codon (external communication). However the mRNA is not expected to undergo nonsense-mediated decay. ClinVar contains an entry for this variant (Variation ID: 644259). For these reasons, this variant has been classified as Pathogenic.

Literature cited by the submitters: PubMed 22994313 (cited by Labcorp Genetics (formerly Invitae), Labcorp); PubMed 26419278 (cited by Labcorp Genetics (formerly Invitae), Labcorp).

NM_000344.4(SMN1):c.862dup (p.Arg288fs)

Gene: SMN1 (survival of motor neuron 1, telomeric). Cytogenetic location: 5q13.2.
Variant type: Duplication.
Coding change: c.862dup on transcript NM_000344.4 (MANE Select); coding-DNA position 862, one base duplicated.
Protein change: p.Arg288fs; shifts the reading frame from arginine 288.
Molecular consequence: frameshift variant. On other transcripts: intron variant (1).
Genome position: GRCh38 VCF-style: chr5-70951966-G-GA. GRCh37 (hg19) VCF-style: chr5-70247793-G-GA.
Other names: c.862dup (NM_000344.3); c.862dupA (NM_000344.3); c.766dup, p.Arg256fs (NM_022874.2); c.835-471dup (NM_001297715.1); short protein forms R288fs, R256fs.
Identifiers: ClinVar variation 644259 (VCV000644259.10), dbSNP rs1580895068, ClinGen allele CA915943385.